The following is an entry in ClinVar:

ClinVar aggregate classification (germline): Pathogenic (1 of 4 stars; one submission).

Conditions:
Distal myopathy with posterior leg and anterior hand involvement. Also called: WILLIAMS DISTAL MYOPATHY. Identifiers: Orphanet 63273, MedGen C3279722, MONDO:0013550, OMIM 614065.
Hypertrophic cardiomyopathy 26. Also called: Cardiomyopathy, familial hypertrophic, 26. Identifiers: Orphanet 75249, MedGen C4310749, MONDO:0014883, OMIM 617047.
Myofibrillar myopathy 5. Also called: FILAMINOPATHY, AUTOSOMAL DOMINANT; Filaminopathy (type). Identifiers: Orphanet 171445, MedGen C1836050, MONDO:0012289, OMIM 609524.

Submission:

Labcorp Genetics (formerly Invitae), Labcorp
Classification: Pathogenic for Distal myopathy with posterior leg and anterior hand involvement; Myofibrillar myopathy 5; Hypertrophic cardiomyopathy 26. Last evaluated: 2023-10-10. Review status: criteria provided, single submitter. Criteria: Invitae Variant Classification Sherloc (09022015). Collection method: clinical testing. Allele origin: germline.
Comment: This sequence change creates a premature translational stop signal (p.Glu919Argfs*7) in the FLNC gene. It is expected to result in an absent or disrupted protein product. Loss-of-function variants in FLNC are known to be pathogenic (PMID: 27908349). This variant is not present in population databases (gnomAD no frequency). This variant has not been reported in the literature in individuals affected with FLNC-related conditions. ClinVar contains an entry for this variant (Variation ID: 1459680). For these reasons, this variant has been classified as Pathogenic.

Literature cited by the submitters: PubMed 27908349.

NM_001458.5(FLNC):c.2754_2755insC (p.Glu919fs)

Gene: FLNC (filamin C; plus strand). Cytogenetic location: 7q32.1.
Variant type: Insertion.
Coding change: c.2754_2755insC on transcript NM_001458.5 (MANE Select); coding-DNA positions 2754 to 2755, C inserted.
Protein change: p.Glu919fs; shifts the reading frame from glutamic acid 919.
Molecular consequence: frameshift variant.
Genome position: GRCh38 VCF-style: chr7-128843520-T-TC. GRCh37 (hg19) VCF-style: chr7-128483574-T-TC.
Other names: c.2754_2755insC, p.Glu919fs (NM_001127487.2); short protein forms E919fs.
Identifiers: ClinVar variation 1459680 (VCV001459680.6), dbSNP rs2128936013, ClinGen allele CA2573141719.